The following is an entry in ClinVar:

NM_004104.5(FASN):c.6477C>T (p.Ser2159=)

Gene: FASN (fatty acid synthase; minus strand). Cytogenetic location: 17q25.3.
Variant type: single nucleotide variant.
Coding change: c.6477C>T on transcript NM_004104.5 (MANE Select); coding-DNA position 6477, C replaced by T.
Protein change: p.Ser2159=; no amino-acid change (serine 2159 retained).
Molecular consequence: synonymous variant.
Genome position (GRCh38, 1-based): chr17:82,081,282, G>A on the plus strand (C>T on the coding strand, the complement: FASN is on the minus strand). VCF-style: chr17-82081282-G-A. GRCh37 (hg19) VCF-style: chr17-80039158-G-A.
Identifiers: ClinVar variation 531159 (VCV000531159.35), dbSNP rs146570982, ClinGen allele CA8851286.

ClinVar aggregate classification (germline): Benign/Likely benign. Review status: criteria provided, multiple submitters, no conflicts (2 of 4 stars). 2 submissions from 2 submitters: Benign (1); Likely benign (1). Last evaluated 2026-01-01.

Conditions:
Epileptic encephalopathy. Identifiers: MedGen C0543888, HP:0200134.

Allele frequency attached by ClinVar (database versions not stated): ESP Exome Variant Server 0.00047; gnomAD exomes 0.00051 and 0.00119; gnomAD 0.00068 and 0.00073; TOPMed 0.00071; ExAC 0.00157.
gnomAD v4.1: 892 of 1,563,060 alleles (0.057%); highest among the groups gnomAD compares: African/African-American, 0.014%; 13 homozygotes.

Submissions (2):

Labcorp Genetics (formerly Invitae), Labcorp
Classification: Benign for Epileptic encephalopathy. Last evaluated: 2026-01-01. Review status: criteria provided, single submitter. Criteria: Invitae Variant Classification Sherloc (09022015). Collection method: clinical testing. Allele origin: germline.

CeGaT Center for Human Genetics Tuebingen
Classification: Likely benign. Last evaluated: 2022-06-01. Review status: criteria provided, single submitter. Criteria: CeGaT Center For Human Genetics Tuebingen Variant Classification Criteria Version 2. Collection method: clinical testing. Allele origin: germline. Affected: yes. Observed: 3 variant alleles.
Comment: FASN: BP4, BP7